The following is an entry in ClinVar:

NM_000091.5(COL4A3):c.610-1G>A

Genes: MFF-DT (MFF divergent transcript; minus strand), COL4A3 (collagen type IV alpha 3 chain; plus strand). Cytogenetic location: 2q36.3.
Variant type: single nucleotide variant.
Coding change: c.610-1G>A on transcript NM_000091.5 (MANE Select); the canonical splice acceptor site of the intron before coding-DNA position 610, G replaced by A.
Molecular consequence: splice acceptor variant.
Genome position (GRCh38, 1-based): chr2:227,251,335, G>A. VCF-style: chr2-227251335-G-A. GRCh37 (hg19) VCF-style: chr2-228116051-G-A.
Identifiers: ClinVar variation 2429119 (VCV002429119.7), dbSNP rs2469545357, ClinGen allele CA350864011.

ClinVar aggregate classification (germline): Likely pathogenic. Review status: criteria provided, multiple submitters, no conflicts (2 of 4 stars). 2 submissions from 2 submitters: Likely pathogenic (2). Last evaluated 2024-04-09.

Conditions:
Autosomal dominant Alport syndrome (ATS3A). Also called: ALPORT SYNDROME 3A, AUTOSOMAL DOMINANT; Alport syndrome dominant type; Renal failure and sensorineural hearing loss. Identifiers: Orphanet 63, Orphanet 88918, MedGen C5882663, MONDO:0007086, OMIM 104200.
Hematuria, benign familial, 2 (BFH2). Identifiers: MedGen C5830421, MONDO:0958186, OMIM 620320.
Alport syndrome 3b, autosomal recessive. Identifiers: MedGen C5882699, MONDO:0957811, OMIM 620536.
Autosomal recessive Alport syndrome (ATS2). Also called: COL4A4 Alport Syndrome and Thin Basement Membrane Nephropathy; ALPORT SYNDROME 2, AUTOSOMAL RECESSIVE; Alport syndrome type 2; COL4A3-Related Nephropathy. Identifiers: Orphanet 63, Orphanet 88919, MedGen C4746745, MONDO:0008762, OMIM 203780.

Submissions (2):

Fulgent Genetics
Classification: Likely pathogenic for Autosomal dominant Alport syndrome; Hematuria, benign familial, 2; Alport syndrome 3b, autosomal recessive. Last evaluated: 2024-04-09. Review status: criteria provided, single submitter. Criteria: ACMG Guidelines, 2015. Collection method: clinical testing. Allele origin: germline.

Women's Health and Genetics/Laboratory Corporation of America, LabCorp
Classification: Likely pathogenic for Autosomal recessive Alport syndrome. Last evaluated: 2023-01-05. Review status: criteria provided, single submitter. Criteria: LabCorp Variant Classification Summary - May 2015. Collection method: clinical testing. Allele origin: germline.
Comment: Variant summary: COL4A3 c.610-1G>A is located in a canonical splice-site and is predicted to affect mRNA splicing resulting in a significantly altered protein due to either exon skipping, shortening, or inclusion of intronic material. Several computational tools predict a significant impact on normal splicing: Three predict the variant abolishes a canonical 3' acceptor site and one predicts the variant abolishes the 3' acceptor site. However, these predictions have yet to be confirmed by functional studies. The variant was absent in 249072 control chromosomes (gnomAD). To our knowledge, no occurrence of c.610-1G>A in individuals affected with Alport Syndrome and no experimental evidence demonstrating its impact on protein function have been reported. No clinical diagnostic laboratories have submitted clinical-significance assessments for this variant to ClinVar after 2014. Based on the evidence outlined above, the variant was classified as likely pathogenic.